The following is an entry in ClinVar:

NM_000548.5(TSC2):c.976-15G>A

Gene: TSC2 (TSC complex subunit 2; plus strand). Cytogenetic location: 16p13.3.
Variant type: single nucleotide variant.
Coding change: c.976-15G>A on transcript NM_000548.5 (MANE Select); 15 bases into the intron before coding-DNA position 976, G replaced by A.
Molecular consequence: intron variant.
Genome position (GRCh38, 1-based): chr16:2,060,655, G>A. VCF-style: chr16-2060655-G-A. GRCh37 (hg19) VCF-style: chr16-2110656-G-A.
Other names: c.976-15G>A (NM_001114382.3, NM_021055.3, NM_001370405.1 and 3 more transcripts); c.865-15G>A (NM_001318827.2); c.376-15G>A (NM_001318831.2); c.829-15G>A (NM_001318829.2); c.1009-15G>A (NM_001318832.2).
Identifiers: ClinVar variation 49396 (VCV000049396.29), dbSNP rs45517150, ClinGen allele CA023219.

ClinVar aggregate classification (germline): Pathogenic/Likely pathogenic. Review status: criteria provided, multiple submitters, no conflicts (2 of 4 stars). 11 submissions from 11 submitters: Pathogenic (9); Likely pathogenic (1). 1 of the submissions does not count toward it. Last evaluated 2026-03-27.

Conditions:
Lymphangiomyomatosis (LAM). Also called: Lymphangioleiomyomatosis; Lymphangioleiomyomatosis, somatic. Identifiers: Orphanet 538, MedGen C0751674, MONDO:0011705, OMIM 606690.
Isolated focal cortical dysplasia type II (FCORD2). Also called: Focal cortical dysplasia type II; CORTICAL DYSPLASIA OF TAYLOR. Identifiers: Orphanet 268994, MedGen C1846385, MONDO:0011818, OMIM 607341, HP:0032051.
Tuberous sclerosis 2 (TSC2). Identifiers: Orphanet 805, MedGen C1860707, MONDO:0013199, OMIM 613254.
TSC2-related disorder. Also called: TSC2-Related Disorders; TSC2-related condition.
Tuberous sclerosis syndrome (TSC). Also called: Tuberous Sclerosis Complex; Tuberous sclerosis. Identifiers: Orphanet 805, MedGen C0041341, MONDO:0001734.

Submissions (11):

PreventionGenetics, part of Exact Sciences
Classification: Pathogenic for TSC2-related condition. Last evaluated: 2026-03-27. Review status: criteria provided, single submitter. Criteria: ACMG Guidelines, 2015. Collection method: clinical testing. Allele origin: germline.
Comment: The TSC2 c.976-15G>A variant is predicted to interfere with splicing. In the literature this variant is also referred to as IVS9-15G>A. Based on available splicing prediction programs (Alamut Visual Plus v1.6.1), this variant creates a cryptic splice acceptor site. Functional studies have also shown that this variant leads to skipping of exon 10 and the creation of a cryptic splice acceptor in exon 10 (Mayer et al. 1999. PubMed ID: 10533066; Mayer et al. 2000. PubMed ID: 11068191). This variant has been reported in individuals with tuberous sclerosis complex (TSC) (Mayer et al. 1999. PubMed ID: 10533066; Dabora et al. 2000. PubMed ID: 11112665; Mayer et al. 2000. PubMed ID: 11068191; Tyburczy et al. 2015. PubMed ID: 26540169; Rosset et al. 2017. PubMed ID: 28968464). This variant has also been reported in TSC patients in the presumed mosaic state (allelic frequency <50%) (Tyburczy et al. 2015. PubMed ID: 26540169). This variant has also been reported in an individual with status epilepticus (Wang et al. 2020. PubMed ID: 33278787). This variant has not been reported in a large population database (gnomAD), indicating this variant is rare, and is interpreted as pathogenic in ClinVar by multiple clinical laboratories (Variation ID: 4939/). This variant is interpreted as pathogenic.

Labcorp Genetics (formerly Invitae), Labcorp
Classification: Pathogenic for Tuberous sclerosis 2. Last evaluated: 2025-11-11. Review status: criteria provided, single submitter. Criteria: Invitae Variant Classification Sherloc (09022015). Collection method: clinical testing. Allele origin: germline.
Comment: This sequence change falls in intron 10 of the TSC2 gene. It does not directly change the encoded amino acid sequence of the TSC2 protein. RNA analysis indicates that this variant induces altered splicing and likely results in a shortened protein product. This variant is not present in population databases (gnomAD no frequency). This variant has been observed in individual(s) with tuberous sclerosis complex (PMID: 10533066, 11112665, 21520333, 26540169). In at least one individual the variant was observed to be de novo. Invitae Evidence Modeling of clinical and family history, age, sex, and reported ancestry of multiple individuals with this TSC2 variant has been performed. This variant is expected to be pathogenic with a positive predictive value of at least 99%. This is a validated machine learning model that incorporates the clinical features of 1,224,362 individuals referred to our laboratory for TSC2 testing. This variant is also known as IVS9-15G>A. ClinVar contains an entry for this variant (Variation ID: 49396). Studies have shown that this variant results in skipping of exon 11 (referred to as exon 10), but is expected to preserve the integrity of the reading-frame (PMID: 10533066, 11068191). For these reasons, this variant has been classified as Pathogenic.

Blueprint Genetics
Classification: Pathogenic for TSC2-related disorders. Last evaluated: 2024-04-09. Review status: criteria provided, single submitter. Criteria: ACMG Guidelines, 2015. Collection method: clinical testing. Allele origin: germline. Affected: yes. Observed: 1 variant allele.

GeneDx
Classification: Pathogenic. Last evaluated: 2022-09-19. Review status: criteria provided, single submitter. Criteria: GeneDx Variant Classification Process June 2021. Collection method: clinical testing. Allele origin: germline. Affected: yes.
Comment: Not observed at significant frequency in large population cohorts (gnomAD); In vitro mRNA analysis indicates the c.976-15G>A variant leads aberrant splicing of exon 11 (Mayer et al., 2000); In silico analysis supports a deleterious effect on splicing; This variant is associated with the following publications: (PMID: 10533066, 11112665, 26540169, 17304050, 19369101, 28968464, 33278787, 18466115, 11068191)

Division of Genomic Medicine, Department of Advanced Medicine, Medical Research Institute, Kanazawa Medical University
Classification: Pathogenic for Tuberous sclerosis 2. Last evaluated: 2022-08-01. Review status: criteria provided, single submitter. Criteria: ACMG Guidelines, 2015. Collection method: clinical testing. Allele origin: germline. Affected: yes. Observed: 1 variant allele.

Genome-Nilou Lab
Classification: Pathogenic for Tuberous sclerosis 2. Last evaluated: 2021-11-07. Review status: criteria provided, single submitter. Criteria: ACMG Guidelines, 2015. Collection method: clinical testing. Allele origin: germline. Affected: no.

Fulgent Genetics
Classification: Pathogenic for Lymphangiomyomatosis; Isolated focal cortical dysplasia type II; Tuberous sclerosis 2. Last evaluated: 2021-10-26. Review status: criteria provided, single submitter. Criteria: ACMG Guidelines, 2015. Collection method: clinical testing. Allele origin: unknown.

3billion
Classification: Pathogenic for Tuberous sclerosis 2. Last evaluated: 2021-10-02. Review status: criteria provided, single submitter. Criteria: ACMG Guidelines, 2015. Collection method: clinical testing. Allele origin: unknown. Affected: yes. Observed: 1 heterozygote.
Comment: Intronic variant: previously reported to alter splicing and result in a loss of normal protein fucnction through nonsense-mediated decay (NMD) or protein truncation (PMID: 11068191, 10533066).The variant has been observed in multiple (>3) similarly affected unrelated individuals (PMID: 26540169, 11112665, PS4). It is not observed in the gnomAD v2.1.1 dataset (PM2). In silico tool predictions suggest damaging effect of the variant on gene or gene product (REVEL: 0.843, 3Cnet: 0.995, PP3). Therefore, this variant is classified as pathogenic according to the recommendation of ACMG/AMP guideline.

Center for Genomics, Ann and Robert H. Lurie Children's Hospital of Chicago
Classification: Pathogenic for Lymphangiomyomatosis; Isolated focal cortical dysplasia type II; Tuberous sclerosis 2. Review status: criteria provided, single submitter. Criteria: ACMG Guidelines, 2015. Collection method: clinical testing. Allele origin: germline.
Comment: This variant has been reported in more than 10 individuals with a clinical diagnosis or suspicion of tuberous sclerosis, including as de novo in at least one individual and in the mosaic state in another (Selected publications: Mayer 1999 PMID: 10533066; Dabora 2001 PMID: 11112665; Tyburczy 2015 PMID: 26540169; Wang 2021 PMID: 33278787). This variant is absent from large control databases but is present in ClinVar, with multiple laboratories classifying it as pathogenic (Variation ID: 49396). Transcriptional analyses demonstrated that this variant leads to two abnormal transcripts: one with the in-frame skipping of exon 11, and one with the activation of a cryptic splice acceptor in exon 11 that results in the deletion of 56 nucleotides, introducing a frameshift and premature stop codon (Mayer 1999 PMID: 10533066; Mayer 2000 PMID: 11068191). Loss of function variants are a known mechanism of disease for this gene (Rosset 2017 PMID: 28222202). In summary, this variant is classified as pathogenic.

Department of Pathology and Laboratory Medicine, Sinai Health System
Classification: Likely pathogenic for tuberous sclerosis. Review status: criteria provided, single submitter. Criteria: ACMG Guidelines, 2015. Collection method: clinical testing. Allele origin: germline.

Tuberous sclerosis database (TSC2)
No classification provided. Condition: TSC. Review status: no classification provided. Criteria: Tuberous Sclerosis Database Assertion Criteria 2015. Collection method: curation. Allele origin: germline. Affected: yes. Not counted in ClinVar's aggregate classification.

Literature cited by the submitters: PubMed 10533066 (cited by Labcorp Genetics (formerly Invitae), Labcorp and 3billion); PubMed 11112665 (cited by Labcorp Genetics (formerly Invitae), Labcorp and 3billion); PubMed 21520333 (cited by Labcorp Genetics (formerly Invitae), Labcorp); PubMed 26540169 (cited by Labcorp Genetics (formerly Invitae), Labcorp and 3billion); PubMed 11068191 (cited by Labcorp Genetics (formerly Invitae), Labcorp and 3billion).